The following is an entry in ClinVar:

NM_000371.4(TTR):c.242_253del (p.Glu81_Phe84del)

Gene: TTR (transthyretin; plus strand). Cytogenetic location: 18q12.1.
Variant type: Deletion.
Coding change: c.242_253del on transcript NM_000371.4 (MANE Select); coding-DNA positions 242 to 253, 12 bases deleted (AGGAGGAATTTG).
Protein change: p.Glu81_Phe84del.
Molecular consequence: inframe deletion. On other transcripts: inframe indel (1).
Genome position (GRCh38, 1-based): chr18:31,595,161-31,595,172, AGGAGGAATTTG deleted; deleting any 12 consecutive bases within chr18:31,595,159-31,595,172 gives the same sequence; the c. name uses the placement nearest the transcript's 3' end. VCF-style (leftmost placement, unchanged base first): chr18-31595158-CTGAGGAGGAATT-C. GRCh37 (hg19) VCF-style: chr18-29175121-CTGAGGAGGAATT-C.
Other names: p.Glu81_Phe84del; c.242_253delAGGAGGAATTTG, p.Glu81_Phe84del (NM_000371.3).
Identifiers: ClinVar variation 4542258 (VCV004542258.2).
Genomic context (GRCh38, chr18:31,595,158, plus strand): 5'-TCCAGACTTTCACACCTTATAGGAAAACCAGTGAGTCTGGAGAGCTGCATGGGCTCACAA[CTGAGGAGGAATT>C]TGTAGAAGGGATATACAAAGTGGAAATAGACACCAAATCTTACTGGAAGGCACTTGGCAT-3'

ClinVar aggregate classification (germline): Conflicting classifications of pathogenicity. Review status: criteria provided, conflicting classifications (1 of 4 stars). 2 submissions from 2 submitters: Likely pathogenic (1); Uncertain significance (1). Last evaluated 2025-09-17.

Conditions:
Amyloidosis, hereditary systemic 1 (AMYLD1). Also called: Familial amyloid polyneuropathy; Transthyretin Amyloidosis; Hereditary Transthyretin Amyloidosis; Hereditary oculoleptomeningeal amyloid angiopathy; Familial Transthyretin Amyloidosis; AMYLOID CARDIOMYOPATHY. Identifiers: Orphanet 85447, Orphanet 85451, MedGen C2751492, MONDO:0971004, OMIM 105210.

Submissions (2):

Variantyx, Inc.
Classification: Likely pathogenic for Amyloidosis, hereditary systemic 1. Last evaluated: 2025-09-17. Review status: criteria provided, single submitter. Criteria: Variantyx Assertion Criteria 2022. Collection method: clinical testing. Allele origin: germline. Inheritance: Autosomal dominant inheritance. Affected: yes.
Comment: This is an inframe substitution variant in the TTR gene (OMIM: 176300). Pathogenic variants in this gene have been associated with autosomal dominant hereditary transthyretin-related amyloidosis. This variant causes an in-frame deletion of 4 amino acids at position 81 of the TTR protein (PM4). This variant lies within a known hotspot for pathogenic variants or a well-established critical functional domain of the TTR protein (PMID: 17503405, 27238058, 28911993) (PM1). The clinical symptoms reported for this individual are highly specific for autosomal dominant hereditary transthyretin-related amyloidosis, which has a limited genetic etiology (PMID: 20301373) (PP4). This variant is absent from control populations (PM2). Based on the current evidence, this variant is classified as likely pathogenic for autosomal dominant hereditary transthyretin-related amyloidosis.This variant was reported by previous genetic testing.

Mayo Clinic Laboratories, Mayo Clinic
Classification: Uncertain significance. Last evaluated: 2025-09-03. Review status: criteria provided, single submitter. Criteria: ACMG Guidelines, 2015. Collection method: clinical testing. Allele origin: germline. Observed: 1 variant allele.
Comment: PP4, PM2_supporting, PM4

Literature cited by the submitters: PubMed 17503405 (cited by Variantyx, Inc.); PubMed 27238058 (cited by Variantyx, Inc.); PubMed 28911993 (cited by Variantyx, Inc.); PubMed 20301373 (cited by Variantyx, Inc.).